The following is an entry in ClinVar:

ClinVar aggregate classification (germline): Uncertain significance (1 of 4 stars; one submission).

Conditions:
Multiple gastrointestinal atresias. Also called: FAMILIAL INTESTINAL POLYATRESIA SYNDROME; Multiple intestinal atresia. Identifiers: Orphanet 2300, MedGen C0220744, MONDO:0009465.

gnomAD v4.1: 5 of 1,612,162 alleles (0.00031%); highest among the groups gnomAD compares: Admixed American, 0.0033%; no homozygotes.

Submission:

Labcorp Genetics (formerly Invitae), Labcorp
Classification: Uncertain significance for Multiple gastrointestinal atresias. Last evaluated: 2024-06-26. Review status: criteria provided, single submitter. Criteria: Invitae Variant Classification Sherloc (09022015). Collection method: clinical testing. Allele origin: germline.
Comment: This sequence change replaces methionine, which is neutral and non-polar, with valine, which is neutral and non-polar, at codon 704 of the TTC7A protein (p.Met704Val). This variant is present in population databases (rs537228586, gnomAD 0.007%). This variant has not been reported in the literature in individuals affected with TTC7A-related conditions. Advanced modeling of protein sequence and biophysical properties (such as structural, functional, and spatial information, amino acid conservation, physicochemical variation, residue mobility, and thermodynamic stability) performed at Invitae indicates that this missense variant is not expected to disrupt TTC7A protein function with a negative predictive value of 80%. In summary, the available evidence is currently insufficient to determine the role of this variant in disease. Therefore, it has been classified as a Variant of Uncertain Significance.

NM_020458.4(TTC7A):c.2110A>G (p.Met704Val)

Gene: TTC7A (tetratricopeptide repeat domain 7A; plus strand). Cytogenetic location: 2p21.
Variant type: single nucleotide variant.
Coding change: c.2110A>G on transcript NM_020458.4 (MANE Select); coding-DNA position 2110, A replaced by G.
Protein change: p.Met704Val; replaces methionine 704 with valine.
Molecular consequence: missense variant.
Genome position (GRCh38, 1-based): chr2:47,051,838, A>G. VCF-style: chr2-47051838-A-G. GRCh37 (hg19) VCF-style: chr2-47278977-A-G.
Other names: c.2182A>G, p.Met728Val (NM_001288951.2); c.2008A>G, p.Met670Val (NM_001288953.2); c.1048A>G, p.Met350Val (NM_001288955.2); short protein forms M670V, M728V, M350V, M704V.
Identifiers: ClinVar variation 3716763 (VCV003716763.2).